The following is an entry in ClinVar:

NM_001374736.1(DST):c.16763A>G (p.Asn5588Ser)

Gene: DST (dystonin; minus strand). Cytogenetic location: 6p12.1.
Variant type: single nucleotide variant.
Coding change: c.16763A>G on transcript NM_001374736.1 (MANE Select); coding-DNA position 16763, A replaced by G.
Protein change: p.Asn5588Ser; replaces asparagine 5588 with serine.
Molecular consequence: missense variant.
Genome position (GRCh38, 1-based): chr6:56,536,786, T>C on the plus strand (A>G on the coding strand, the complement: DST is on the minus strand). VCF-style: chr6-56536786-T-C. GRCh37 (hg19) VCF-style: chr6-56401584-T-C.
Other names: p.Asn2965Ser; c.10406A>G, p.Asn3469Ser (NM_001144769.5); c.9992A>G, p.Asn3331Ser (NM_001144770.2); c.16763A>G, p.Asn5588Ser (NM_001374722.1); c.16130A>G, p.Asn5377Ser (NM_001374729.1); c.9872A>G, p.Asn3291Ser (NM_001374730.1, NM_001386100.1, NM_183380.4); c.16790A>G, p.Asn5597Ser (NM_001374734.1); c.8894A>G, p.Asn2965Ser (NM_015548.5); short protein forms N2965S, N3291S, N3331S, N3469S, N5377S, N5588S, N5597S.
Identifiers: ClinVar variation 1057324 (VCV001057324.6), dbSNP rs762298460, ClinGen allele CA3867604.

ClinVar aggregate classification (germline): Uncertain significance. Review status: criteria provided, multiple submitters, no conflicts (2 of 4 stars). 2 submissions from 2 submitters: Uncertain significance (2). Last evaluated 2024-05-07.

Conditions:
Epidermolysis bullosa simplex 3, localized or generalized intermediate, with BP230 deficiency (EBS3). Also called: Epidermolysis bullosa simplex due to BP230 deficiency; Epidermolysis bullosa simplex, autosomal recessive 2. Identifiers: Orphanet 412181, MedGen C3809470, MONDO:0014180, OMIM 615425.
Hereditary sensory and autonomic neuropathy type 6. Also called: HSAN VI; Neuropathy, hereditary sensory and autonomic, type VI. Identifiers: Orphanet 314381, MedGen C3539003, MONDO:0013839, OMIM 614653.

Allele frequency attached by ClinVar (database versions not stated): ExAC 0.00001; TOPMed 0.00001; gnomAD exomes 0.00002 and 0.00004.
gnomAD v4.1: 25 of 1,552,756 alleles (0.0016%); highest among the groups gnomAD compares: East Asian, 0.0092%; no homozygotes.

Submissions (2):

Mayo Clinic Laboratories, Mayo Clinic
Classification: Uncertain significance. Last evaluated: 2024-05-07. Review status: criteria provided, single submitter. Criteria: ACMG Guidelines, 2015. Collection method: clinical testing. Allele origin: germline. Observed: 1 variant allele.

Labcorp Genetics (formerly Invitae), Labcorp
Classification: Uncertain significance for Epidermolysis bullosa simplex 3, localized or generalized intermediate, with BP230 deficiency; Hereditary sensory and autonomic neuropathy type 6. Last evaluated: 2020-08-17. Review status: criteria provided, single submitter. Criteria: Invitae Variant Classification Sherloc (09022015). Collection method: clinical testing. Allele origin: germline.
Comment: In summary, the available evidence is currently insufficient to determine the role of this variant in disease. Therefore, it has been classified as a Variant of Uncertain Significance. Algorithms developed to predict the effect of sequence changes on RNA splicing suggest that this variant may create or strengthen a splice site, but this prediction has not been confirmed by published transcriptional studies. This variant has not been reported in the literature in individuals with DST-related conditions. This variant is present in population databases (rs762298460, ExAC 0.01%). This sequence change replaces asparagine with serine at codon 2965 of the DST protein (p.Asn2965Ser). The asparagine residue is highly conserved and there is a small physicochemical difference between the two amino acids. The DST gene has multiple clinically relevant transcripts. This variant occurs in alternate transcript NM_015548.4, and corresponds to NM_001723.5:c.*78731A>G in the primary transcript.